The following is an entry in ClinVar:

NM_000702.4(ATP1A2):c.44C>T (p.Thr15Met)

Gene: ATP1A2 (ATPase Na+/K+ transporting subunit alpha 2; plus strand). Cytogenetic location: 1q23.2.
Variant type: single nucleotide variant.
Coding change: c.44C>T on transcript NM_000702.4 (MANE Select); coding-DNA position 44, C replaced by T.
Protein change: p.Thr15Met; replaces threonine 15 with methionine.
Molecular consequence: missense variant.
Genome position (GRCh38, 1-based): chr1:160,120,937, C>T. VCF-style: chr1-160120937-C-T. GRCh37 (hg19) VCF-style: chr1-160090727-C-T.
Other names: short protein forms T15M.
Identifiers: ClinVar variation 392896 (VCV000392896.11), dbSNP rs371257019, ClinGen allele CA1194078.

ClinVar aggregate classification (germline): Conflicting classifications of pathogenicity. Review status: criteria provided, conflicting classifications (1 of 4 stars). 3 submissions from 3 submitters: Uncertain significance (2); Likely benign (1). Last evaluated 2025-11-24.

Conditions:
Inborn genetic diseases. Identifiers: MedGen C0950123, MeSH D030342.
Familial hemiplegic migraine. Identifiers: MedGen C0338484, MONDO:0000700.

Allele frequency attached by ClinVar (database versions not stated): gnomAD exomes 0.00003 and 0.00005; gnomAD 0.00004; TOPMed 0.00005; ESP Exome Variant Server 0.00008; ExAC 0.00012; 1000 Genomes Project 0.00020; 1000 Genomes Project 30x 0.00031.
gnomAD v4.1: 55 of 1,608,432 alleles (0.0034%); highest among the groups gnomAD compares: South Asian, 0.01%; no homozygotes.

Submissions (3):

Ambry Genetics
Classification: Uncertain significance for Inborn genetic diseases. Last evaluated: 2025-11-24. Review status: criteria provided, single submitter. Criteria: Ambry Variant Classification Scheme 2023. Collection method: clinical testing. Allele origin: germline.

Labcorp Genetics (formerly Invitae), Labcorp
Classification: Uncertain significance for Familial hemiplegic migraine. Last evaluated: 2025-10-03. Review status: criteria provided, single submitter. Criteria: Invitae Variant Classification Sherloc (09022015). Collection method: clinical testing. Allele origin: germline.
Comment: This sequence change replaces threonine, which is neutral and polar, with methionine, which is neutral and non-polar, at codon 15 of the ATP1A2 protein (p.Thr15Met). This variant is present in population databases (rs371257019, gnomAD 0.02%). This missense change has been observed in individual(s) with ATP1A2-related conditions (internal data). ClinVar contains an entry for this variant (Variation ID: 392896). Invitae Evidence Modeling of protein sequence and biophysical properties (such as structural, functional, and spatial information, amino acid conservation, physicochemical variation, residue mobility, and thermodynamic stability) indicates that this missense variant is not expected to disrupt ATP1A2 protein function with a negative predictive value of 95%. In summary, the available evidence is currently insufficient to determine the role of this variant in disease. Therefore, it has been classified as a Variant of Uncertain Significance.

GeneDx
Classification: Likely benign. Last evaluated: 2019-08-30. Review status: criteria provided, single submitter. Criteria: GeneDx Variant Classification Process June 2021. Collection method: clinical testing. Allele origin: germline. Affected: yes.
Comment: In silico analysis, which includes protein predictors and evolutionary conservation, supports that this variant does not alter protein structure/function; Has not been previously published as pathogenic or benign to our knowledge